The following is an entry in ClinVar:

NM_018060.4(IARS2):c.988T>C (p.Tyr330His)

Gene: IARS2 (isoleucyl-tRNA synthetase 2, mitochondrial; plus strand). Cytogenetic location: 1q41.
Variant type: single nucleotide variant.
Coding change: c.988T>C on transcript NM_018060.4 (MANE Select); coding-DNA position 988, T replaced by C.
Protein change: p.Tyr330His; replaces tyrosine 330 with histidine.
Molecular consequence: missense variant.
Genome position (GRCh38, 1-based): chr1:220,103,484, T>C. VCF-style: chr1-220103484-T-C. GRCh37 (hg19) VCF-style: chr1-220276826-T-C.
Other names: short protein forms Y330H.
Identifiers: ClinVar variation 4532609 (VCV004532609.1).
Genomic context (GRCh38, chr1:220,103,484, plus strand): 5'-TTTCTCCTAAAATTTTATGTTAGGTATGCTGTTGTGAAATGTTCTAAGTCTGGAGACCTC[T>C]ACGTACTGGCGGCAGATAAAGTAGCATCTGTTGCTTCTACTTTGGAAACAACATTTGAGA-3'
Protein context (NP_060530.3, residues 320-340): VVKCSKSGDL[Tyr330His]VLAADKVASV

ClinVar aggregate classification (germline): Uncertain significance (1 of 4 stars; one submission).

Submission:

GeneDx
Classification: Uncertain significance. Last evaluated: 2025-06-01. Review status: criteria provided, single submitter. Criteria: GeneDx Variant Classification Process June 2021. Collection method: clinical testing. Allele origin: germline. Affected: yes.
Comment: Not observed at significant frequency in large population cohorts (gnomAD); In silico analysis supports that this missense variant has a deleterious effect on protein structure/function; Has not been previously published as pathogenic or benign to our knowledge